The following is an entry in ClinVar:

ClinVar aggregate classification (germline): Uncertain significance (1 of 4 stars; one submission).

Conditions:
Cardiovascular phenotype. Identifiers: MedGen CN230736.

gnomAD v4.1: 4 of 1,613,790 alleles (0.00025%); highest among the groups gnomAD compares: Non-Finnish European, 0.00034%; no homozygotes.

Submission:

Ambry Genetics
Classification: Uncertain significance for Cardiovascular phenotype. Last evaluated: 2021-05-18. Review status: criteria provided, single submitter. Criteria: Ambry Variant Classification Scheme 2023. Collection method: clinical testing. Allele origin: germline.
Comment: The p.D216E variant (also known as c.648C>A), located in coding exon 6 of the TRPM4 gene, results from a C to A substitution at nucleotide position 648. The aspartic acid at codon 216 is replaced by glutamic acid, an amino acid with highly similar properties. This amino acid position is not well conserved in available vertebrate species, and glutamic acid is the reference amino acid in other vertebrate species. In addition, this alteration is predicted to be tolerated by in silico analysis. Since supporting evidence is limited at this time, the clinical significance of this alteration remains unclear.

NM_017636.4(TRPM4):c.648C>A (p.Asp216Glu)

Gene: TRPM4 (transient receptor potential cation channel subfamily M member 4; plus strand). Cytogenetic location: 19q13.33.
Variant type: single nucleotide variant.
Coding change: c.648C>A on transcript NM_017636.4 (MANE Select); coding-DNA position 648, C replaced by A.
Protein change: p.Asp216Glu; replaces aspartic acid 216 with glutamic acid.
Molecular consequence: missense variant. On other transcripts: 5 prime UTR variant (2).
Genome position (GRCh38, 1-based): chr19:49,168,588, C>A. VCF-style: chr19-49168588-C-A. GRCh37 (hg19) VCF-style: chr19-49671845-C-A.
Other names: c.648C>A, p.Asp216Glu (NM_001195227.2); c.303C>A, p.Asp101Glu (NM_001321281.2); c.-906C>A (NM_001321282.2); c.126C>A, p.Asp42Glu (NM_001321283.2); c.-202C>A (NM_001321285.2); short protein forms D42E, D101E, D216E.
Identifiers: ClinVar variation 1753805 (VCV001753805.2), dbSNP rs1600411384, ClinGen allele CA406792304.
Genomic context (GRCh38, chr19:49,168,588, plus strand): 5'-CCTGGTCTGGCCATTTTTCCCCTAGGGCTCGTTCCCTGCGAGGTACCGGTGGCGCGGTGA[C>A]CCGGAGGACGGGGTCCAGTTTCCCCTGGACTACAACTACTCGGCCTTCTTCCTGGTGGAC-3'
Protein context (NP_060106.2, residues 206-226): SFPARYRWRG[Asp216Glu]PEDGVQFPLD